The following is an entry in ClinVar:

NM_001042492.3(NF1):c.1934T>C (p.Met645Thr)

Gene: NF1 (neurofibromin 1; plus strand). Cytogenetic location: 17q11.2.
Variant type: single nucleotide variant.
Coding change: c.1934T>C on transcript NM_001042492.3 (MANE Select); coding-DNA position 1934, T replaced by C.
Protein change: p.Met645Thr; replaces methionine 645 with threonine.
Molecular consequence: missense variant.
Genome position (GRCh38, 1-based): chr17:31,225,183, T>C. VCF-style: chr17-31225183-T-C. GRCh37 (hg19) VCF-style: chr17-29552201-T-C.
Other names: c.1934T>C, p.Met645Thr (NM_000267.4); short protein forms M645T.
Identifiers: ClinVar variation 1918969 (VCV001918969.6), dbSNP rs2508141873, ClinGen allele CA399005401.

ClinVar aggregate classification (germline): Conflicting classifications of pathogenicity. Review status: criteria provided, conflicting classifications (1 of 4 stars). 2 submissions from 2 submitters: Uncertain significance (1); Likely benign (1). Last evaluated 2025-04-02.

Conditions:
Neurofibromatosis, type 1 (NF1). Also called: Peripheral type neurofibromatosis; Neurofibromatosis, type I; NEUROFIBROMATOSIS, TYPE I, SOMATIC; VON RECKLINGHAUSEN DISEASE. Identifiers: Orphanet 636, MedGen C0027831, MONDO:0018975, OMIM 162200. Disease mechanism: loss of function.
Hereditary cancer-predisposing syndrome. Also called: Neoplastic Syndromes, Hereditary; Tumor predisposition; Hereditary neoplastic syndrome; Hereditary Cancer Syndrome. Identifiers: Orphanet 140162, MedGen C0027672, MeSH D009386, MONDO:0015356.
Cardiovascular phenotype. Identifiers: MedGen CN230736.

Submissions (2):

Ambry Genetics
Classification: Likely benign for Cardiovascular phenotype; Hereditary cancer-predisposing syndrome. Last evaluated: 2025-04-02. Review status: criteria provided, single submitter. Criteria: Ambry Variant Classification Scheme 2023. Collection method: clinical testing. Allele origin: germline.

Labcorp Genetics (formerly Invitae), Labcorp
Classification: Uncertain significance for Neurofibromatosis, type 1. Last evaluated: 2022-03-06. Review status: criteria provided, single submitter. Criteria: Invitae Variant Classification Sherloc (09022015). Collection method: clinical testing. Allele origin: germline.
Comment: Advanced modeling of protein sequence and biophysical properties (such as structural, functional, and spatial information, amino acid conservation, physicochemical variation, residue mobility, and thermodynamic stability) performed at Invitae indicates that this missense variant is not expected to disrupt NF1 protein function. In summary, the available evidence is currently insufficient to determine the role of this variant in disease. Therefore, it has been classified as a Variant of Uncertain Significance. This variant has not been reported in the literature in individuals affected with NF1-related conditions. This variant is not present in population databases (gnomAD no frequency). This sequence change replaces methionine, which is neutral and non-polar, with threonine, which is neutral and polar, at codon 645 of the NF1 protein (p.Met645Thr).